The following is an entry in ClinVar:

ClinVar aggregate classification (germline): Pathogenic (1 of 4 stars; one submission).

Conditions:
Familial cancer of breast. Also called: BREAST CANCER, FAMILIAL; Hereditary breast cancer; hereditary breast carcinoma. Identifiers: Orphanet 227535, MedGen C0346153, MONDO:0016419, OMIM 114480. Disease mechanism: loss of function.

Submission:

Myriad Genetics, Inc.
Classification: Pathogenic for Familial cancer of breast. Last evaluated: 2024-01-16. Review status: criteria provided, single submitter. Criteria: Myriad Autosomal Dominant, Autosomal Recessive and X-Linked Classification Criteria (2023). Collection method: clinical testing. Allele origin: unknown.
Comment: This variant is considered pathogenic. This variant creates a frameshift predicted to result in premature protein truncation.

NM_000051.4(ATM):c.1757del (p.Glu586fs)

Gene: ATM (ATM serine/threonine kinase; plus strand). Cytogenetic location: 11q22.3.
Variant type: Deletion.
Coding change: c.1757del on transcript NM_000051.4 (MANE Select); coding-DNA position 1757, one base deleted (A; older notation c.1757delA).
Protein change: p.Glu586fs; shifts the reading frame from glutamic acid 586.
Molecular consequence: frameshift variant.
Genome position (GRCh38, 1-based): chr11:108,251,986, A deleted. VCF-style (leftmost placement, unchanged base first): chr11-108251985-GA-G. GRCh37 (hg19) VCF-style: chr11-108122712-GA-G.
Other names: c.1757del, p.Glu586fs (NM_001351834.2); short protein forms E586fs.
Identifiers: ClinVar variation 3148136 (VCV003148136.1), dbSNP rs2497273192, ClinGen allele CA2825001798.